The following is an entry in ClinVar:

NM_004415.4(DSP):c.2221_2223delinsCAG (p.Tyr741Gln)

Gene: DSP (desmoplakin; plus strand). Cytogenetic location: 6p24.3.
Variant type: Indel.
Coding change: c.2221_2223delinsCAG on transcript NM_004415.4 (MANE Select); coding-DNA positions 2221 to 2223, TAT replaced by CAG.
Protein change: p.Tyr741Gln; replaces tyrosine 741 with glutamine.
Molecular consequence: missense variant.
Genome position (GRCh38, 1-based): chr6:7,574,176-7,574,178, TAT replaced by CAG. VCF-style: chr6-7574176-TAT-CAG. GRCh37 (hg19) VCF-style: chr6-7574409-TAT-CAG.
Other names: c.2221_2223delinsCAG, p.Tyr741Gln (NM_001008844.3, NM_001319034.2); short protein forms Y741Q.
Identifiers: ClinVar variation 2775282 (VCV002775282.2), dbSNP rs2533903618, ClinGen allele CA2697546622.
Genomic context (GRCh38, chr6:7,574,176, plus strand): 5'-GAGGTTCTCAACCAGCTTAAAGATATGCTTGCCAACTTCAGAGGTTCTGAAAAGTACTGC[TAT>CAG]TTACAGAATGAAGTATTTGGACTATTTCAGAAACTGGAAAATATCAATGGTGTTACAGAT-3'
Protein context (NP_004406.2, residues 731-751): ANFRGSEKYC[Tyr741Gln]LQNEVFGLFQ

ClinVar aggregate classification (germline): Uncertain significance (1 of 4 stars; one submission).

Conditions:
Cardiomyopathy (CMYO). Also called: Cardiomyopathies. Identifiers: Orphanet 167848, MedGen C0878544, MONDO:0004994, HP:0001638. Inheritance: Various modes of inheritance.

Submission:

Color Diagnostics, LLC DBA Color Health
Classification: Uncertain significance for Cardiomyopathy. Last evaluated: 2023-11-20. Review status: criteria provided, single submitter. Criteria: ACMG Guidelines, 2015. Collection method: clinical testing. Allele origin: germline.
Comment: This missense variant replaces tyrosine with glutamine at codon 741 of the DSP protein. To our knowledge, functional studies have not been reported for this variant. This variant has not been reported in individuals affected with DSP-related disorders in the literature. This variant has not been identified in the general population by the Genome Aggregation Database (gnomAD). The available evidence is insufficient to determine the role of this variant in disease conclusively. Therefore, this variant is classified as a Variant of Uncertain Significance.